The following is an entry in ClinVar:

NM_002474.3(MYH11):c.5616A>G (p.Ala1872=)

Genes: NDE1 (nudE neurodevelopment protein 1; plus strand), MYH11 (myosin heavy chain 11; minus strand). Cytogenetic location: 16p13.11.
Variant type: single nucleotide variant.
Coding change: c.5616A>G on transcript NM_002474.3 (MANE Select); coding-DNA position 5616, A replaced by G.
Protein change: p.Ala1872=; no amino-acid change (alanine 1872 retained).
Molecular consequence: synonymous variant. On other transcripts: intron variant (2).
Genome position (GRCh38, 1-based): chr16:15,715,079, T>C on the plus strand (A>G on the coding strand, the complement: MYH11 is on the minus strand). VCF-style: chr16-15715079-T-C. GRCh37 (hg19) VCF-style: chr16-15808936-T-C.
Other names: c.5637A>G, p.Ala1879= (NM_001040113.2, NM_001040114.2); c.5616A>G, p.Ala1872= (NM_022844.3); c.948-9112T>C (NM_001143979.2, NM_017668.3).
Identifiers: ClinVar variation 1171613 (VCV001171613.8), dbSNP rs1328469024, ClinGen allele CA493748101.

ClinVar aggregate classification (germline): Conflicting classifications of pathogenicity. Review status: criteria provided, conflicting classifications (1 of 4 stars). 4 submissions from 4 submitters: Uncertain significance (1); Likely benign (3). Last evaluated 2023-12-13.

Conditions:
Aortic aneurysm, familial thoracic 4 (AAT4). Also called: AORTIC ANEURYSM/AORTIC DISSECTION AND PATENT DUCTUS ARTERIOSUS. Identifiers: MedGen C1851504, MONDO:0007568, OMIM 132900.
Familial thoracic aortic aneurysm and aortic dissection (TAAD). Also called: Thoracic aortic aneurysms and dissections. Identifiers: Orphanet 91387, MedGen C4707243, MONDO:0019625.

Allele frequency attached by ClinVar (database versions not stated): gnomAD exomes below 0.00001; gnomAD 0.00003 and 0.00004; TOPMed 0.00003.
gnomAD v4.1: 10 of 1,598,772 alleles (0.00063%); highest among the groups gnomAD compares: African/African-American, 0.0081%; no homozygotes.

Submissions (4):

All of Us Research Program, National Institutes of Health
Classification: Likely benign for Familial thoracic aortic aneurysm and aortic dissection. Last evaluated: 2023-12-13. Review status: criteria provided, single submitter. Criteria: ACMG Guidelines, 2015. Collection method: clinical testing. Allele origin: germline. Inheritance: Autosomal dominant inheritance. Observed: 2 variant alleles, 2 heterozygotes.
Comment: This study involves interpretation of variants in research participants for the purpose of population health screening. Participant phenotype was not available at the time of variant classification. Additional details can be found in publication PMID: 35346344, PMCID: PMC8962531

Labcorp Genetics (formerly Invitae), Labcorp
Classification: Uncertain significance for Aortic aneurysm, familial thoracic 4. Last evaluated: 2023-04-17. Review status: criteria provided, single submitter. Criteria: Invitae Variant Classification Sherloc (09022015). Collection method: clinical testing. Allele origin: germline.
Comment: In summary, the available evidence is currently insufficient to determine the role of this variant in disease. Therefore, it has been classified as a Variant of Uncertain Significance. Algorithms developed to predict the effect of sequence changes on RNA splicing suggest that this variant may disrupt the consensus splice site. ClinVar contains an entry for this variant (Variation ID: 1171613). This variant has not been reported in the literature in individuals affected with MYH11-related conditions. This variant is present in population databases (no rsID available, gnomAD 0.01%). This sequence change affects codon 1879 of the MYH11 mRNA. It is a 'silent' change, meaning that it does not change the encoded amino acid sequence of the MYH11 protein.

Color Diagnostics, LLC DBA Color Health
Classification: Likely benign for Familial thoracic aortic aneurysm and aortic dissection. Last evaluated: 2020-12-01. Review status: criteria provided, single submitter. Criteria: ACMG Guidelines, 2015. Collection method: clinical testing. Allele origin: germline.

Ambry Genetics
Classification: Likely benign for Familial thoracic aortic aneurysm and aortic dissection. Last evaluated: 2019-06-09. Review status: criteria provided, single submitter. Criteria: Ambry Variant Classification Scheme 2023. Collection method: clinical testing. Allele origin: germline.